The following is an entry in ClinVar:

NM_000136.3(FANCC):c.799A>C (p.Asn267His)

Genes: AOPEP (aminopeptidase O (putative); plus strand), FANCC (FA complementation group C; minus strand). Cytogenetic location: 9q22.32.
Variant type: single nucleotide variant.
Coding change: c.799A>C on transcript NM_000136.3 (MANE Select); coding-DNA position 799, A replaced by C.
Protein change: p.Asn267His; replaces asparagine 267 with histidine.
Molecular consequence: missense variant.
Genome position (GRCh38, 1-based): chr9:95,135,390, T>G on the plus strand (A>C on the coding strand, the complement: FANCC is on the minus strand). VCF-style: chr9-95135390-T-G. GRCh37 (hg19) VCF-style: chr9-97897672-T-G.
Other names: c.799A>C, p.Asn267His (NM_001243743.2, NM_001243744.2); short protein forms N267H.
Identifiers: ClinVar variation 5036482 (VCV005036482.1).

ClinVar aggregate classification (germline): Uncertain significance (1 of 4 stars; one submission).

Conditions:
Hereditary cancer-predisposing syndrome. Also called: Neoplastic Syndromes, Hereditary; Tumor predisposition; Hereditary neoplastic syndrome; Hereditary Cancer Syndrome. Identifiers: Orphanet 140162, MedGen C0027672, MeSH D009386, MONDO:0015356.

Submission:

Ambry Genetics
Classification: Uncertain significance for Hereditary cancer-predisposing syndrome. Last evaluated: 2026-08-23. Review status: criteria provided, single submitter. Criteria: Ambry Variant Classification Scheme 2023. Collection method: clinical testing. Allele origin: germline.
Comment: The p.N267H variant (also known as c.799A>C), located in coding exon 7 of the FANCC gene, results from an A to C substitution at nucleotide position 799. The asparagine at codon 267 is replaced by histidine, an amino acid with similar properties. This amino acid position is conserved. In addition, this alteration is predicted to be tolerated by in silico analysis. Based on the available evidence, the clinical significance of this variant remains unclear.